The following is an entry in ClinVar:

NM_006231.4(POLE):c.5635C>T (p.Arg1879Cys)

Gene: POLE (DNA polymerase epsilon, catalytic subunit; minus strand). Cytogenetic location: 12q24.33.
Variant type: single nucleotide variant.
Coding change: c.5635C>T on transcript NM_006231.4 (MANE Select); coding-DNA position 5635, C replaced by T.
Protein change: p.Arg1879Cys; replaces arginine 1879 with cysteine.
Molecular consequence: missense variant.
Genome position (GRCh38, 1-based): chr12:132,638,057, G>A on the plus strand (C>T on the coding strand, the complement: POLE is on the minus strand). VCF-style: chr12-132638057-G-A. GRCh37 (hg19) VCF-style: chr12-133214643-G-A.
Other names: short protein forms R1879C.
Identifiers: ClinVar variation 405598 (VCV000405598.8), dbSNP rs767012802, ClinGen allele CA6892455.

ClinVar aggregate classification (germline): Uncertain significance. Review status: criteria provided, multiple submitters, no conflicts (2 of 4 stars). 3 submissions from 3 submitters: Uncertain significance (3). Last evaluated 2025-11-17.

Conditions:
Hereditary cancer-predisposing syndrome. Also called: Hereditary Cancer Syndrome; Hereditary neoplastic syndrome; Neoplastic Syndromes, Hereditary; Tumor predisposition. Identifiers: Orphanet 140162, MedGen C0027672, MeSH D009386, MONDO:0015356.

Allele frequency attached by ClinVar (database versions not stated): TOPMed below 0.00001; ExAC 0.00001; gnomAD 0.00001; gnomAD exomes 0.00001.
gnomAD v4.1: 15 of 1,613,902 alleles (0.00093%); highest among the groups gnomAD compares: Middle Eastern, 0.016%; no homozygotes.

Submissions (3):

Labcorp Genetics (formerly Invitae), Labcorp
Classification: Uncertain significance. Last evaluated: 2025-11-17. Review status: criteria provided, single submitter. Criteria: Invitae Variant Classification Sherloc (09022015). Collection method: clinical testing. Allele origin: germline.
Comment: This sequence change replaces arginine, which is basic and polar, with cysteine, which is neutral and slightly polar, at codon 1879 of the POLE protein (p.Arg1879Cys). This variant is present in population databases (rs767012802, gnomAD 0.006%). This variant has not been reported in the literature in individuals affected with POLE-related conditions. ClinVar contains an entry for this variant (Variation ID: 405598). Invitae Evidence Modeling of protein sequence and biophysical properties (such as structural, functional, and spatial information, amino acid conservation, physicochemical variation, residue mobility, and thermodynamic stability) indicates that this missense variant is not expected to disrupt POLE protein function with a negative predictive value of 80%. In summary, the available evidence is currently insufficient to determine the role of this variant in disease. Therefore, it has been classified as a Variant of Uncertain Significance.

Ambry Genetics
Classification: Uncertain significance for Hereditary cancer-predisposing syndrome. Last evaluated: 2024-10-17. Review status: criteria provided, single submitter. Criteria: Ambry Variant Classification Scheme 2023. Collection method: clinical testing. Allele origin: germline.
Comment: The p.R1879C variant (also known as c.5635C>T), located in coding exon 41 of the POLE gene, results from a C to T substitution at nucleotide position 5635. The arginine at codon 1879 is replaced by cysteine, an amino acid with highly dissimilar properties. This amino acid position is not well conserved in available vertebrate species. In addition, this alteration is predicted to be tolerated by in silico analysis. Based on the available evidence, the clinical significance of this variant remains unclear.

GeneDx
Classification: Uncertain significance. Last evaluated: 2023-05-12. Review status: criteria provided, single submitter. Criteria: GeneDx Variant Classification Process June 2021. Collection method: clinical testing. Allele origin: germline. Affected: yes.
Comment: Not observed at significant frequency in large population cohorts (gnomAD); In silico analysis supports that this missense variant has a deleterious effect on protein structure/function; Has not been previously published as pathogenic or benign to our knowledge; This variant is associated with the following publications: (PMID: 28634282)